The following is an entry in ClinVar:

NM_005045.4(RELN):c.5019C>A (p.Ser1673Arg)

Gene: RELN (reelin; minus strand). Cytogenetic location: 7q22.1.
Variant type: single nucleotide variant.
Coding change: c.5019C>A on transcript NM_005045.4 (MANE Select); coding-DNA position 5019, C replaced by A.
Protein change: p.Ser1673Arg; replaces serine 1673 with arginine.
Molecular consequence: missense variant.
Genome position (GRCh38, 1-based): chr7:103,565,469, G>T on the plus strand (C>A on the coding strand, the complement: RELN is on the minus strand). VCF-style: chr7-103565469-G-T. GRCh37 (hg19) VCF-style: chr7-103205916-G-T.
Other names: c.5019C>A, p.Ser1673Arg (NM_173054.3); short protein forms S1673R.
Identifiers: ClinVar variation 851610 (VCV000851610.9), dbSNP rs370258062, ClinGen allele CA4421341.

ClinVar aggregate classification (germline): Conflicting classifications of pathogenicity. Review status: criteria provided, conflicting classifications (1 of 4 stars). 3 submissions from 3 submitters: Uncertain significance (2); Likely benign (1). Last evaluated 2025-07-23.

Conditions:
Norman-Roberts syndrome (LIS2). Also called: Lissencephaly 2 (Norman-Roberts type). Identifiers: Orphanet 89844, MedGen C0796089, MONDO:0009760, OMIM 257320.
Familial temporal lobe epilepsy 7. Identifiers: Orphanet 101046, MedGen C4225327, MONDO:0014639, OMIM 616436.
Inborn genetic diseases. Identifiers: MedGen C0950123, MeSH D030342.

Allele frequency attached by ClinVar (database versions not stated): gnomAD exomes 0.00001; ExAC 0.00002; ESP Exome Variant Server 0.00008; gnomAD 0.00011 and 0.00012; TOPMed 0.00012.
gnomAD v4.1: 30 of 1,613,708 alleles (0.0019%); highest among the groups gnomAD compares: African/African-American, 0.04%; no homozygotes.

Submissions (3):

Labcorp Genetics (formerly Invitae), Labcorp
Classification: Likely benign for Familial temporal lobe epilepsy 7; Norman-Roberts syndrome. Last evaluated: 2025-07-23. Review status: criteria provided, single submitter. Criteria: Invitae Variant Classification Sherloc (09022015). Collection method: clinical testing. Allele origin: germline.

Ambry Genetics
Classification: Uncertain significance for Inborn genetic diseases. Last evaluated: 2025-04-25. Review status: criteria provided, single submitter. Criteria: Ambry Variant Classification Scheme 2023. Collection method: clinical testing. Allele origin: germline.

GeneDx
Classification: Uncertain significance. Last evaluated: 2023-06-20. Review status: criteria provided, single submitter. Criteria: GeneDx Variant Classification Process June 2021. Collection method: clinical testing. Allele origin: germline. Affected: yes.
Comment: In silico analysis supports that this missense variant does not alter protein structure/function; Has not been previously published as pathogenic or benign to our knowledge